The following is an entry in ClinVar:

ClinVar aggregate classification (germline): Uncertain significance (1 of 4 stars; one submission).

Conditions:
Hereditary cancer-predisposing syndrome. Also called: Hereditary Cancer Syndrome; Hereditary neoplastic syndrome; Tumor predisposition; Neoplastic Syndromes, Hereditary. Identifiers: Orphanet 140162, MedGen C0027672, MeSH D009386, MONDO:0015356.

Submission:

Ambry Genetics
Classification: Uncertain significance for Hereditary cancer-predisposing syndrome. Last evaluated: 2022-08-18. Review status: criteria provided, single submitter. Criteria: Ambry Variant Classification Scheme 2023. Collection method: clinical testing. Allele origin: germline.
Comment: The c.2406-4delT intronic variant, located in intron 9 of the AXIN2 gene, results from a deletion of one nucleotide within intron 9 of the AXIN2 gene. The affected nucleotide positions are not well conserved in available vertebrate species. In silico splice site analysis predicts that this alteration will not have any significant effect on splicing; however, direct evidence is insufficient at this time (Ambry internal data). Since supporting evidence is limited at this time, the clinical significance of this alteration remains unclear.

NM_004655.4(AXIN2):c.2406-4del

Gene: AXIN2 (axin 2; minus strand). Cytogenetic location: 17q24.1.
Variant type: Deletion.
Coding change: c.2406-4del on transcript NM_004655.4 (MANE Select); 4 bases into the intron before coding-DNA position 2406, one base deleted (T; older notation c.2406-4delT).
Molecular consequence: intron variant.
Genome position (GRCh38, 1-based): chr17:65,530,106, A deleted on the plus strand (T on the coding strand, the reverse complement: AXIN2 is on the minus strand); the first of 4 consecutive A bases (chr17:65,530,106-65,530,109); deleting any one gives the same sequence. VCF-style (leftmost placement, unchanged base first): chr17-65530105-TA-T. GRCh37 (hg19) VCF-style: chr17-63526223-TA-T.
Other names: c.2211-4del (NM_001363813.1).
Identifiers: ClinVar variation 1790791 (VCV001790791.2), dbSNP rs2144392239, ClinGen allele CA2580094663.